The following is an entry in ClinVar:

ClinVar aggregate classification (germline): Likely benign. Review status: criteria provided, single submitter (1 of 4 stars). 2 submissions from 2 submitters: Likely benign (1). 1 of the submissions does not count toward it. Last evaluated 2026-01-24.

Conditions:
SLC25A42-related disorder. Also called: SLC25A42-related condition.

Allele frequency attached by ClinVar (database versions not stated): gnomAD exomes 0.00003 and 0.00011; ExAC 0.00004; gnomAD 0.00005 and 0.00006; TOPMed 0.00006.
gnomAD v4.1: 48 of 1,612,944 alleles (0.003%); highest among the groups gnomAD compares: Admixed American, 0.025%; no homozygotes.

Submissions (2):

Labcorp Genetics (formerly Invitae), Labcorp
Classification: Likely benign. Last evaluated: 2026-01-24. Review status: criteria provided, single submitter. Criteria: Invitae Variant Classification Sherloc (09022015). Collection method: clinical testing. Allele origin: germline.

PreventionGenetics, part of Exact Sciences
Classification: Likely benign for SLC25A42-related condition. Last evaluated: 2019-12-24. Review status: no assertion criteria provided. Collection method: clinical testing. Allele origin: germline. Not counted in ClinVar's aggregate classification.
Comment: This variant is classified as likely benign based on ACMG/AMP sequence variant interpretation guidelines (Richards et al. 2015 PMID: 25741868, with internal and published modifications).

NM_178526.5(SLC25A42):c.411C>T (p.Ala137=)

Gene: SLC25A42 (solute carrier family 25 member 42; plus strand). Cytogenetic location: 19p13.11.
Variant type: single nucleotide variant.
Coding change: c.411C>T on transcript NM_178526.5 (MANE Select); coding-DNA position 411, C replaced by T.
Protein change: p.Ala137=; no amino-acid change (alanine 137 retained).
Molecular consequence: synonymous variant.
Genome position (GRCh38, 1-based): chr19:19,106,299, C>T. VCF-style: chr19-19106299-C-T. GRCh37 (hg19) VCF-style: chr19-19217108-C-T.
Other names: c.411C>T, p.Ala137= (NM_001321544.2); c.411C>T (NM_178526.4).
Identifiers: ClinVar variation 1672104 (VCV001672104.10), dbSNP rs760491432, ClinGen allele CA9321476.